The following is an entry in ClinVar:

NC_000016.9:g.(?_89180727)_(89199690_?)del

Gene: ACSF3 (acyl-CoA synthetase family member 3; plus strand). Cytogenetic location: 16q24.3.
Variant type: Deletion.
Identifiers: ClinVar variation 3243504 (VCV003243504.1).

ClinVar aggregate classification (germline): Pathogenic (1 of 4 stars; one submission).

Conditions:
Combined malonic and methylmalonic acidemia. Identifiers: Orphanet 289504, MedGen C3280314, MONDO:0013661, OMIM 614265.

Submission:

Labcorp Genetics (formerly Invitae), Labcorp
Classification: Pathogenic for Combined malonic and methylmalonic acidemia. Last evaluated: 2023-06-17. Review status: criteria provided, single submitter. Criteria: Invitae Variant Classification Sherloc (09022015). Collection method: clinical testing. Allele origin: unknown.
Comment: For these reasons, this variant has been classified as Pathogenic. This variant has not been reported in the literature in individuals affected with ACSF3-related conditions. This variant is a gross deletion of the genomic region encompassing exon(s) 6-8 of the ACSF3 gene. This deletion is out-of-frame, and is expected to create a premature termination codon and result in an absent or disrupted protein product. Loss-of-function variants in ACSF3 are known to be pathogenic (PMID: 21841779, 26827111).

Literature cited by the submitters: PubMed 21841779; PubMed 26827111.